The following is an entry in ClinVar:

ClinVar aggregate classification (germline): Likely pathogenic (1 of 4 stars; one submission).

Conditions:
Autosomal recessive limb-girdle muscular dystrophy type 2J (LGMDR10). Also called: Limb-girdle muscular dystrophy, type 2J; MUSCULAR DYSTROPHY, LIMB-GIRDLE, AUTOSOMAL RECESSIVE 10. Identifiers: Orphanet 140922, MedGen C1837342, MONDO:0012127, OMIM 608807.
Dilated cardiomyopathy 1G (CMD1G). Identifiers: Orphanet 154, MedGen C1858763, MONDO:0011400, OMIM 604145.

Submission:

Labcorp Genetics (formerly Invitae), Labcorp
Classification: Likely pathogenic for Dilated cardiomyopathy 1G; Autosomal recessive limb-girdle muscular dystrophy type 2J. Last evaluated: 2024-10-18. Review status: criteria provided, single submitter. Criteria: Invitae Variant Classification Sherloc (09022015). Collection method: clinical testing. Allele origin: germline.
Comment: This sequence change creates a premature translational stop signal (p.Arg12033Lysfs*7) in the TTN gene. While this is not anticipated to result in nonsense mediated decay, it is expected to create a truncated TTN protein. The frequency data for this variant in the population databases is considered unreliable, as metrics indicate poor data quality at this position in the gnomAD database. This variant has not been reported in the literature in individuals affected with TTN-related conditions. Algorithms developed to predict the effect of sequence changes on RNA splicing suggest that this variant may disrupt the consensus splice site. This variant is located in the I band of TTN (PMID: 25589632). Truncating variants in this region have been reported in individuals affected with autosomal recessive centronuclear myopathy (PMID: 23975875, internal data). Truncating variants in this region have also been identified in individuals affected with autosomal dominant dilated cardiomyopathy and/or cardio-related conditions (PMID: 27869827, 32964742, internal data). In summary, the currently available evidence indicates that the variant is pathogenic, but additional data are needed to prove that conclusively. Therefore, this variant has been classified as Likely Pathogenic.

Literature cited by the submitters: PubMed 25589632; PubMed 23975875; PubMed 27869827; PubMed 32964742.

NM_001267550.2(TTN):c.36097dup (p.Arg12033fs)

Gene: TTN (titin; minus strand). Cytogenetic location: 2q31.2.
Variant type: Duplication.
Coding change: c.36097dup on transcript NM_001267550.2 (MANE Select); coding-DNA position 36097, one base duplicated (A; older notation c.36097dupA).
Protein change: p.Arg12033fs; shifts the reading frame from arginine 12033.
Molecular consequence: frameshift variant. On other transcripts: intron variant (5).
Genome position (GRCh38, 1-based): chr2:178,664,873, T duplicated on the plus strand (A on the coding strand, the reverse complement: TTN is on the minus strand); the first of 7 consecutive T bases (chr2:178,664,873-178,664,879); duplicating any one gives the same sequence. VCF-style (leftmost placement, unchanged base first): chr2-178664872-C-CT. GRCh37 (hg19) VCF-style: chr2-179529599-C-CT.
Other names: c.13283-22556dup (NM_003319.4); c.13859-22556dup (NM_133437.4); c.13658-22556dup (NM_133432.3); c.31484-1818dup (NM_133378.4); c.34265-1818dup (NM_001256850.1); short protein forms R12033fs.
Identifiers: ClinVar variation 3762044 (VCV003762044.2).